The following is an entry in ClinVar:

ClinVar aggregate classification (germline): Conflicting classifications of pathogenicity. Review status: criteria provided, conflicting classifications (1 of 4 stars). 7 submissions from 7 submitters: Uncertain significance (4); Likely benign (2). 1 of the submissions does not count toward it. Last evaluated 2025-11-17.

Conditions:
Alstrom syndrome (ALMS). Identifiers: Orphanet 64, MedGen C0268425, MONDO:0008763, OMIM 203800.
Cardiovascular phenotype. Identifiers: MedGen CN230736.

Allele frequency attached by ClinVar (database versions not stated): ExAC 0.00004; gnomAD 0.00004; gnomAD exomes 0.00006 and 0.00008; TOPMed 0.00006.
gnomAD v4.1: 123 of 1,613,978 alleles (0.0076%); highest among the groups gnomAD compares: Non-Finnish European, 0.0097%; no homozygotes.

Submissions (7):

Ambry Genetics
Classification: Likely benign for Cardiovascular phenotype. Last evaluated: 2025-11-17. Review status: criteria provided, single submitter. Criteria: Ambry Variant Classification Scheme 2023. Collection method: clinical testing. Allele origin: germline.

Labcorp Genetics (formerly Invitae), Labcorp
Classification: Uncertain significance for Alstrom syndrome. Last evaluated: 2025-01-26. Review status: criteria provided, single submitter. Criteria: Invitae Variant Classification Sherloc (09022015). Collection method: clinical testing. Allele origin: germline.
Comment: This sequence change replaces proline, which is neutral and non-polar, with serine, which is neutral and polar, at codon 758 of the ALMS1 protein (p.Pro758Ser). This variant is present in population databases (rs200827630, gnomAD 0.01%). This variant has not been reported in the literature in individuals affected with ALMS1-related conditions. ClinVar contains an entry for this variant (Variation ID: 403941). Experimental studies and prediction algorithms are not available or were not evaluated, and the functional significance of this variant is currently unknown. In summary, the available evidence is currently insufficient to determine the role of this variant in disease. Therefore, it has been classified as a Variant of Uncertain Significance.

Blueprint Genetics
Classification: Likely benign. Last evaluated: 2024-09-12. Review status: criteria provided, single submitter. Criteria: ACMG Guidelines, 2015. Collection method: clinical testing. Allele origin: germline.

GeneDx
Classification: Uncertain significance. Last evaluated: 2024-05-21. Review status: criteria provided, single submitter. Criteria: GeneDx Variant Classification Process June 2021. Collection method: clinical testing. Allele origin: germline. Affected: yes.
Comment: Not observed at significant frequency in large population cohorts (gnomAD); In silico analysis indicates that this missense variant does not alter protein structure/function; This variant is associated with the following publications: (PMID: 25846608)

Fulgent Genetics
Classification: Uncertain significance for Alstrom syndrome. Last evaluated: 2022-03-01. Review status: criteria provided, single submitter. Criteria: ACMG Guidelines, 2015. Collection method: clinical testing. Allele origin: unknown.

CeGaT Center for Human Genetics Tuebingen
Classification: Uncertain significance. Last evaluated: 2021-11-01. Review status: criteria provided, single submitter. Criteria: CeGaT Center For Human Genetics Tuebingen Variant Classification Criteria Version 2. Collection method: clinical testing. Allele origin: germline. Affected: yes. Observed: 1 variant allele.

Natera, Inc.
Classification: Uncertain significance for Alstrom syndrome. Last evaluated: 2020-09-16. Review status: no assertion criteria provided. Collection method: clinical testing. Allele origin: germline. Not counted in ClinVar's aggregate classification.

Literature cited by the submitters: PubMed 36413997 (cited by Ambry Genetics).

NM_001378454.1(ALMS1):c.2269C>T (p.Pro757Ser)

Gene: ALMS1 (ALMS1 centrosome and basal body associated protein; plus strand). Cytogenetic location: 2p13.1.
Variant type: single nucleotide variant.
Coding change: c.2269C>T on transcript NM_001378454.1 (MANE Select); coding-DNA position 2269, C replaced by T.
Protein change: p.Pro757Ser; replaces proline 757 with serine.
Molecular consequence: missense variant.
Genome position (GRCh38, 1-based): chr2:73,448,796, C>T. VCF-style: chr2-73448796-C-T. GRCh37 (hg19) VCF-style: chr2-73675923-C-T.
Other names: c.2272C>T, p.Pro758Ser (NM_015120.4); short protein forms P758S, P757S.
Identifiers: ClinVar variation 403941 (VCV000403941.47), dbSNP rs200827630, ClinGen allele CA1713314.
Genomic context (GRCh38, chr2:73,448,796, plus strand): 5'-GAAGAGACTCTTACTAAAGTTTCAGCCACTCCTGGACCAGCTGACCAGAAGACTGAGATA[C>T]CAGCAGTACAGTCTAGTTCTTACTCACAAAGAGAAAAGCCTAGTATTTTGTACCCACAGG-3'
Protein context (NP_001365383.1, residues 747-767): PGPADQKTEI[Pro757Ser]AVQSSSYSQR